The following is an entry in ClinVar:

ClinVar aggregate classification (germline): Uncertain significance (1 of 4 stars; one submission).

Submission:

Labcorp Genetics (formerly Invitae), Labcorp
Classification: Uncertain significance. Last evaluated: 2023-11-04. Review status: criteria provided, single submitter. Criteria: Invitae Variant Classification Sherloc (09022015). Collection method: clinical testing. Allele origin: germline.
Comment: This sequence change replaces arginine, which is basic and polar, with lysine, which is basic and polar, at codon 756 of the KMT2A protein (p.Arg756Lys). This variant is not present in population databases (gnomAD no frequency). This variant has not been reported in the literature in individuals affected with KMT2A-related conditions. Advanced modeling of protein sequence and biophysical properties (such as structural, functional, and spatial information, amino acid conservation, physicochemical variation, residue mobility, and thermodynamic stability) performed at Invitae indicates that this missense variant is not expected to disrupt KMT2A protein function with a negative predictive value of 95%. In summary, the available evidence is currently insufficient to determine the role of this variant in disease. Therefore, it has been classified as a Variant of Uncertain Significance.

NM_001197104.2(KMT2A):c.2267G>A (p.Arg756Lys)

Gene: KMT2A (lysine methyltransferase 2A; plus strand). Cytogenetic location: 11q23.3.
Variant type: single nucleotide variant.
Coding change: c.2267G>A on transcript NM_001197104.2 (MANE Select); coding-DNA position 2267, G replaced by A.
Protein change: p.Arg756Lys; replaces arginine 756 with lysine.
Molecular consequence: missense variant.
Genome position (GRCh38, 1-based): chr11:118,473,426, G>A. VCF-style: chr11-118473426-G-A. GRCh37 (hg19) VCF-style: chr11-118344141-G-A.
Other names: c.2366G>A, p.Arg789Lys (NM_001412597.1); c.2267G>A, p.Arg756Lys (NM_005933.4); short protein forms R789K, R756K.
Identifiers: ClinVar variation 2693323 (VCV002693323.3), dbSNP rs2496808160, ClinGen allele CA382814036.
Genomic context (GRCh38, chr11:118,473,426, plus strand): 5'-GGAAAAGAAAAGTGTTTAGTCCTATTCGATCTGAACCAAGATCTCCTTCTCACTCCATGA[G>A]GACAAGAAGTGGAAGGCTTAGTAGTTCTGAGCTCTCACCTCTCACCCCCCCGTCTTCTGT-3'
Protein context (NP_001184033.1, residues 746-766): SEPRSPSHSM[Arg756Lys]TRSGRLSSSE